The following is an entry in ClinVar:

NM_000937.5(POLR2A):c.38G>T (p.Cys13Phe)

Gene: POLR2A (RNA polymerase II subunit A; plus strand). Cytogenetic location: 17p13.1.
Variant type: single nucleotide variant.
Coding change: c.38G>T on transcript NM_000937.5 (MANE Select); coding-DNA position 38, G replaced by T.
Protein change: p.Cys13Phe; replaces cysteine 13 with phenylalanine.
Molecular consequence: missense variant.
Genome position (GRCh38, 1-based): chr17:7,484,802, G>T. VCF-style: chr17-7484802-G-T. GRCh37 (hg19) VCF-style: chr17-7388121-G-T.
Other names: short protein forms C13F.
Identifiers: ClinVar variation 4883320 (VCV004883320.3).

ClinVar aggregate classification (germline): Uncertain significance. Review status: criteria provided, multiple submitters, no conflicts (2 of 4 stars). 2 submissions from 2 submitters: Uncertain significance (2). Last evaluated 2026-08-06.

Conditions:
Neurodevelopmental disorder with hypotonia and variable intellectual and behavioral abnormalities. Identifiers: MedGen C5231423, MONDO:0032829, OMIM 618603.

Submissions (2):

OLLIN Analises Genomicas, OLLIN
Classification: Uncertain significance for Neurodevelopmental disorder with hypotonia and variable intellectual and behavioral abnormalities. Last evaluated: 2026-08-06. Review status: criteria provided, single submitter. Criteria: ACMG Guidelines 2015 PMID 25741868. Collection method: clinical testing. Allele origin: germline.
Comment: This missense variant, located in exon 1 (of 30), has been observed in gnomAD with an allele frequency of 0.000062%, but has not been reported in ClinVar or identified in the literature. In silico analysis is inconclusive regarding the impact of this variant. This gene is constrained for missense variation. According to the currently available evidence, this variant has been classified as uncertain significance (PP2).

Dasa
Classification: Uncertain significance for Neurodevelopmental disorder with hypotonia and variable intellectual and behavioral abnormalities. Last evaluated: 2025-08-12. Review status: criteria provided, single submitter. Criteria: DASA Assertion Criteria. Collection method: clinical testing. Allele origin: germline.
Comment: NM_000937.5(POLR2A):c.38G>T (p.Cys13Phe) is a missense variant that results in the substitution of cysteine with phenylalanine. This variant is rare in population databases. Computational prediction algorithms are consistent with a benign effect. The currently available literature and clinical evidence are not sufficient to establish a definitive association between this variant and the reported condition. Therefore, this variant is classified as a variant of uncertain significance.